The following is an entry in ClinVar:

NM_001142800.2(EYS):c.7316G>C (p.Ser2439Thr)

Gene: EYS (eyes shut homolog; minus strand). Cytogenetic location: 6q12.
Variant type: single nucleotide variant.
Coding change: c.7316G>C on transcript NM_001142800.2 (MANE Select); coding-DNA position 7316, G replaced by C.
Protein change: p.Ser2439Thr; replaces serine 2439 with threonine.
Molecular consequence: missense variant.
Genome position (GRCh38, 1-based): chr6:63,806,285, C>G on the plus strand (G>C on the coding strand, the complement: EYS is on the minus strand). VCF-style: chr6-63806285-C-G. GRCh37 (hg19) VCF-style: chr6-64516178-C-G.
Other names: c.7316G>C, p.Ser2439Thr (NM_001292009.2); c.7316G>C (NM_001142800.1); short protein forms S2439T.
Identifiers: ClinVar variation 2056777 (VCV002056777.3), dbSNP rs775138535, ClinGen allele CA3876827.

ClinVar aggregate classification (germline): Uncertain significance. Review status: criteria provided, multiple submitters, no conflicts (2 of 4 stars). 2 submissions from 2 submitters: Uncertain significance (2). Last evaluated 2024-07-27.

Conditions:
Inborn genetic diseases. Identifiers: MedGen C0950123, MeSH D030342.

Allele frequency attached by ClinVar (database versions not stated): gnomAD exomes 0.00001; gnomAD 0.00003; TOPMed 0.00003; ExAC 0.00005.
gnomAD v4.1: 15 of 1,551,522 alleles (0.00097%); highest among the groups gnomAD compares: Non-Finnish European, 0.0013%; no homozygotes.

Submissions (2):

Ambry Genetics
Classification: Uncertain significance for Inborn genetic diseases. Last evaluated: 2024-07-27. Review status: criteria provided, single submitter. Criteria: Ambry Variant Classification Scheme 2023. Collection method: clinical testing. Allele origin: germline.

Labcorp Genetics (formerly Invitae), Labcorp
Classification: Uncertain significance. Last evaluated: 2024-02-17. Review status: criteria provided, single submitter. Criteria: Invitae Variant Classification Sherloc (09022015). Collection method: clinical testing. Allele origin: germline.
Comment: This sequence change replaces serine, which is neutral and polar, with threonine, which is neutral and polar, at codon 2439 of the EYS protein (p.Ser2439Thr). This variant is present in population databases (rs775138535, gnomAD 0.003%). This variant has not been reported in the literature in individuals affected with EYS-related conditions. ClinVar contains an entry for this variant (Variation ID: 2056777). Advanced modeling of protein sequence and biophysical properties (such as structural, functional, and spatial information, amino acid conservation, physicochemical variation, residue mobility, and thermodynamic stability) has been performed at Invitae for this missense variant, however the output from this modeling did not meet the statistical confidence thresholds required to predict the impact of this variant on EYS protein function. In summary, the available evidence is currently insufficient to determine the role of this variant in disease. Therefore, it has been classified as a Variant of Uncertain Significance.